The following is an entry in ClinVar:

ClinVar aggregate classification (germline): Uncertain significance. Review status: criteria provided, multiple submitters, no conflicts (2 of 4 stars). 3 submissions from 3 submitters: Uncertain significance (3). Last evaluated 2024-05-08.

Conditions:
Charcot-Marie-Tooth disease axonal type 2Z. Also called: CHARCOT-MARIE-TOOTH DISEASE, AXONAL, AUTOSOMAL DOMINANT, TYPE 2Z; CHARCOT-MARIE-TOOTH NEUROPATHY, TYPE 2Z. Identifiers: Orphanet 466768, MedGen C5569025, MONDO:0014736, OMIM 616688.
Inborn genetic diseases. Identifiers: MedGen C0950123, MeSH D030342.

Allele frequency attached by ClinVar (database versions not stated): gnomAD exomes 0.00001; ExAC 0.00002; gnomAD 0.00004; TOPMed 0.00005; ESP Exome Variant Server 0.00015.
gnomAD v4.1: 21 of 1,613,636 alleles (0.0013%); highest among the groups gnomAD compares: African/African-American, 0.0067%; no homozygotes.

Submissions (3):

Labcorp Genetics (formerly Invitae), Labcorp
Classification: Uncertain significance for Charcot-Marie-Tooth disease axonal type 2Z. Last evaluated: 2024-05-08. Review status: criteria provided, single submitter. Criteria: Invitae Variant Classification Sherloc (09022015). Collection method: clinical testing. Allele origin: germline.
Comment: This sequence change replaces arginine, which is basic and polar, with histidine, which is basic and polar, at codon 484 of the MORC2 protein (p.Arg484His). This variant is present in population databases (rs143046507, gnomAD 0.008%). This variant has not been reported in the literature in individuals affected with MORC2-related conditions. ClinVar contains an entry for this variant (Variation ID: 1014447). Advanced modeling of protein sequence and biophysical properties (such as structural, functional, and spatial information, amino acid conservation, physicochemical variation, residue mobility, and thermodynamic stability) has been performed at Invitae for this missense variant, however the output from this modeling did not meet the statistical confidence thresholds required to predict the impact of this variant on MORC2 protein function. In summary, the available evidence is currently insufficient to determine the role of this variant in disease. Therefore, it has been classified as a Variant of Uncertain Significance.

Ambry Genetics
Classification: Uncertain significance for Inborn genetic diseases. Last evaluated: 2022-03-16. Review status: criteria provided, single submitter. Criteria: Ambry Variant Classification Scheme 2023. Collection method: clinical testing. Allele origin: germline.
Comment: The c.1451G>A (p.R484H) alteration is located in exon 15 (coding exon 15) of the MORC2 gene. This alteration results from a G to A substitution at nucleotide position 1451, causing the arginine (R) at amino acid position 484 to be replaced by a histidine (H). Based on data from gnomAD, the A allele has an overall frequency of <0.01% (4/282848) total alleles studied. The highest observed frequency was 0.01% (3/24964) of African alleles. This amino acid position is highly conserved in available vertebrate species. This alteration is predicted to be tolerated by in silico analysis. Based on insufficient or conflicting evidence, the clinical significance of this alteration remains unclear.

Institute of Human Genetics, Clinical Exome/Genome Diagnostics Group, University Hospital Bonn
Classification: Uncertain significance. Last evaluated: 2021-12-14. Review status: criteria provided, single submitter. Criteria: ACMG Guidelines, 2015. Collection method: clinical testing. Allele origin: germline. Affected: yes.
Comment: PP2

NM_001303256.3(MORC2):c.1451G>A (p.Arg484His)

Gene: MORC2 (MORC family CW-type zinc finger 2; minus strand). Cytogenetic location: 22q12.2.
Variant type: single nucleotide variant.
Coding change: c.1451G>A on transcript NM_001303256.3 (MANE Select); coding-DNA position 1451, G replaced by A.
Protein change: p.Arg484His; replaces arginine 484 with histidine.
Molecular consequence: missense variant.
Genome position (GRCh38, 1-based): chr22:30,937,630, C>T on the plus strand (G>A on the coding strand, the complement: MORC2 is on the minus strand). VCF-style: chr22-30937630-C-T. GRCh37 (hg19) VCF-style: chr22-31333617-C-T.
Other names: c.1451G>A (NM_001303256.2); c.1451G>A, p.Arg484His (NM_001303257.2); c.1265G>A, p.Arg422His (NM_014941.3); short protein forms R422H, R484H.
Identifiers: ClinVar variation 1014447 (VCV001014447.11), dbSNP rs143046507, ClinGen allele CA10186971.